The following is an entry in ClinVar:

NM_014141.6(CNTNAP2):c.3742G>A (p.Gly1248Arg)

Gene: CNTNAP2 (contactin associated protein 2; plus strand). Cytogenetic location: 7q36.1.
Variant type: single nucleotide variant.
Coding change: c.3742G>A on transcript NM_014141.6 (MANE Select); coding-DNA position 3742, G replaced by A.
Protein change: p.Gly1248Arg; replaces glycine 1248 with arginine.
Molecular consequence: missense variant.
Genome position (GRCh38, 1-based): chr7:148,409,417, G>A. VCF-style: chr7-148409417-G-A. GRCh37 (hg19) VCF-style: chr7-148106509-G-A.
Other names: short protein forms G1248R.
Identifiers: ClinVar variation 420699 (VCV000420699.2), dbSNP rs1064794645, ClinGen allele CA16618391.

ClinVar aggregate classification (germline): Uncertain significance (1 of 4 stars; one submission).

gnomAD v4.1: 1 of 1,613,704 alleles (0.000062%); highest among the groups gnomAD compares: Non-Finnish European, 0.000085%; no homozygotes.

Submission:

GeneDx
Classification: Uncertain significance. Last evaluated: 2016-03-29. Review status: criteria provided, single submitter. Criteria: GeneDx Variant Classification (06012015). Collection method: clinical testing. Allele origin: germline. Affected: yes.
Comment: A variant of uncertain significance has been identified in the CNTNAP2 gene. The G1248R varianthas not been published as a pathogenic variant, nor has it been reported as a benign variant to ourknowledge. It was not observed in approximately 6,500 individuals of European and African Americanancestry in the NHLBI Exome Sequencing Project, indicating it is not a common benign variant inthese populations. The G1248R variant is a non-conservative amino acid substitution, which is likelyto impact secondary protein structure as these residues differ in polarity, charge, size and/or otherproperties. This substitution occurs at a position that is conserved in mammals. In silico analysis isinconsistent in its predictions as to whether or not the variant is damaging to the proteinstructure/function. Based on the currently available information, it is unclear whether this variant is apathogenic variant or a rare benign variant.